The following is an entry in ClinVar:

ClinVar aggregate classification (germline): Uncertain significance (1 of 4 stars; one submission).

Submission:

Labcorp Genetics (formerly Invitae), Labcorp
Classification: Uncertain significance. Last evaluated: 2022-06-05. Review status: criteria provided, single submitter. Criteria: Invitae Variant Classification Sherloc (09022015). Collection method: clinical testing. Allele origin: germline.
Comment: Algorithms developed to predict the effect of missense changes on protein structure and function (SIFT, PolyPhen-2, Align-GVGD) all suggest that this variant is likely to be tolerated. This variant has not been reported in the literature in individuals affected with KARS-related conditions. This variant is not present in population databases (gnomAD no frequency). This sequence change replaces aspartic acid, which is acidic and polar, with asparagine, which is neutral and polar, at codon 89 of the KARS protein (p.Asp89Asn). In summary, the available evidence is currently insufficient to determine the role of this variant in disease. Therefore, it has been classified as a Variant of Uncertain Significance.

NM_005548.3(KARS1):c.181G>A (p.Asp61Asn)

Gene: KARS1 (lysyl-tRNA synthetase 1; minus strand). Cytogenetic location: 16q23.1.
Variant type: single nucleotide variant.
Coding change: c.181G>A on transcript NM_005548.3 (MANE Select); coding-DNA position 181, G replaced by A.
Protein change: p.Asp61Asn; replaces aspartic acid 61 with asparagine.
Molecular consequence: missense variant. On other transcripts: 5 prime UTR variant (1).
Genome position (GRCh38, 1-based): chr16:75,641,605, C>T on the plus strand (G>A on the coding strand, the complement: KARS1 is on the minus strand). VCF-style: chr16-75641605-C-T. GRCh37 (hg19) VCF-style: chr16-75675503-C-T.
Other names: c.265G>A, p.Asp89Asn (NM_001130089.2); c.-288G>A (NM_001378148.1); short protein forms D61N, D89N.
Identifiers: ClinVar variation 1682453 (VCV001682453.6), dbSNP rs1225131785, ClinGen allele CA396816075.